The following is an entry in ClinVar:

NM_003718.5(CDK13):c.1399G>A (p.Ala467Thr)

Gene: CDK13 (cyclin dependent kinase 13; plus strand). Cytogenetic location: 7p14.1.
Variant type: single nucleotide variant.
Coding change: c.1399G>A on transcript NM_003718.5 (MANE Select); coding-DNA position 1399, G replaced by A.
Protein change: p.Ala467Thr; replaces alanine 467 with threonine.
Molecular consequence: missense variant.
Genome position (GRCh38, 1-based): chr7:39,987,786, G>A. VCF-style: chr7-39987786-G-A. GRCh37 (hg19) VCF-style: chr7-40027385-G-A.
Other names: c.1399G>A, p.Ala467Thr (NM_031267.4); short protein forms A467T.
Identifiers: ClinVar variation 1707833 (VCV001707833.2), dbSNP rs1172972233, ClinGen allele CA367282311.

ClinVar aggregate classification (germline): Uncertain significance (1 of 4 stars; one submission).

Allele frequency attached by ClinVar (database versions not stated): TOPMed below 0.00001.

Submission:

GeneDx
Classification: Uncertain significance. Last evaluated: 2022-03-31. Review status: criteria provided, single submitter. Criteria: GeneDx Variant Classification Process June 2021. Collection method: clinical testing. Allele origin: germline. Affected: yes.
Comment: Not observed at significant frequency in large population cohorts (gnomAD); In silico analysis supports that this missense variant does not alter protein structure/function; Has not been previously published as pathogenic or benign to our knowledge